The following is an entry in ClinVar:

NM_000465.4(BARD1):c.951_957del (p.Asn318fs)

Gene: BARD1 (BRCA1 associated RING domain 1; minus strand). Cytogenetic location: 2q35.
Variant type: Deletion.
Coding change: c.951_957del on transcript NM_000465.4 (MANE Select); coding-DNA positions 951 to 957, 7 bases deleted (AAATAAT; older notation c.951_957delAAATAAT).
Protein change: p.Asn318fs; shifts the reading frame from asparagine 318.
Molecular consequence: frameshift variant. On other transcripts: non-coding transcript variant (2), intron variant (3).
Genome position (GRCh38, 1-based): chr2:214,780,917-214,780,923, ATTATTT deleted on the plus strand (AAATAAT on the coding strand, the reverse complement: BARD1 is on the minus strand). VCF-style (leftmost placement, unchanged base first): chr2-214780916-CATTATTT-C. GRCh37 (hg19) VCF-style: chr2-215645640-CATTATTT-C.
Other names: c.894_900del, p.Asn299fs (NM_001282543.2); c.159-28368_159-28362del (NM_001282548.2); c.215+16138_215+16144del (NM_001282545.2); c.364+11374_364+11380del (NM_001282549.2); short protein forms N299fs, N318fs.
Identifiers: ClinVar variation 2664374 (VCV002664374.1), dbSNP rs2469506135, ClinGen allele CA2695197116.

ClinVar aggregate classification (germline): Pathogenic (1 of 4 stars; one submission).

Conditions:
Hereditary cancer-predisposing syndrome. Also called: Tumor predisposition; Hereditary neoplastic syndrome; Neoplastic Syndromes, Hereditary; Hereditary Cancer Syndrome. Identifiers: Orphanet 140162, MedGen C0027672, MeSH D009386, MONDO:0015356.

Submission:

Hauer Lab, Department Of Pediatric Oncology, Technical University Munich
Classification: Pathogenic for Hereditary cancer-predisposing syndrome. Review status: criteria provided, single submitter. Criteria: ACMG Guidelines, 2015. Collection method: research. Allele origin: germline. Inheritance: Autosomal dominant inheritance. Affected: yes. Observed: 1 variant allele.
Comment: ACMG/AMP, PVS1, PM2

Literature cited by the submitters: PubMed 37149759.